The following is an entry in ClinVar:

NM_000182.5(HADHA):c.690del (p.Lys230fs)

Gene: HADHA (hydroxyacyl-CoA dehydrogenase trifunctional multienzyme complex subunit alpha; minus strand). Cytogenetic location: 2p23.3.
Variant type: Deletion.
Coding change: c.690del on transcript NM_000182.5 (MANE Select); coding-DNA position 690, one base deleted (A; older notation c.690delA).
Protein change: p.Lys230fs; shifts the reading frame from lysine 230.
Molecular consequence: frameshift variant.
Genome position (GRCh38, 1-based): chr2:26,215,162, T deleted on the plus strand (A on the coding strand, the reverse complement: HADHA is on the minus strand); the first of 4 consecutive T bases (chr2:26,215,162-26,215,165); deleting any one gives the same sequence. VCF-style (leftmost placement, unchanged base first): chr2-26215161-GT-G. GRCh37 (hg19) VCF-style: chr2-26438030-GT-G.
Other names: short protein forms K230fs.
Identifiers: ClinVar variation 1388408 (VCV001388408.6), dbSNP rs2147769993, ClinGen allele CA2573134472.

ClinVar aggregate classification (germline): Pathogenic (1 of 4 stars; one submission).

Conditions:
Mitochondrial trifunctional protein deficiency. Identifiers: Orphanet 746, MedGen C1969443, MONDO:0012172.
Long chain 3-hydroxyacyl-CoA dehydrogenase deficiency. Also called: Deficiency of long-chain 3-hydroxyacyl-coenzyme A dehydrogenase; LCHAD Deficiency. Identifiers: Orphanet 5, MedGen C3711645, MONDO:0012173, OMIM 609016.

Submission:

Labcorp Genetics (formerly Invitae), Labcorp
Classification: Pathogenic for Mitochondrial trifunctional protein deficiency; Long chain 3-hydroxyacyl-CoA dehydrogenase deficiency. Last evaluated: 2021-08-29. Review status: criteria provided, single submitter. Criteria: Invitae Variant Classification Sherloc (09022015). Collection method: clinical testing. Allele origin: germline.
Comment: This sequence change creates a premature translational stop signal (p.Lys230Asnfs*8) in the HADHA gene. It is expected to result in an absent or disrupted protein product. Loss-of-function variants in HADHA are known to be pathogenic (PMID: 7738175, 21103935, 21549624, 22459206). For these reasons, this variant has been classified as Pathogenic. This variant has not been reported in the literature in individuals affected with HADHA-related conditions. This variant is not present in population databases (ExAC no frequency).

Literature cited by the submitters: PubMed 7738175; PubMed 21103935; PubMed 21549624; PubMed 22459206.